The following is an entry in ClinVar:

NM_024642.5(GALNT12):c.1697G>A (p.Cys566Tyr)

Gene: GALNT12 (polypeptide N-acetylgalactosaminyltransferase 12; plus strand). Cytogenetic location: 9q22.33.
Variant type: single nucleotide variant.
Coding change: c.1697G>A on transcript NM_024642.5 (MANE Select); coding-DNA position 1697, G replaced by A.
Protein change: p.Cys566Tyr; replaces cysteine 566 with tyrosine.
Molecular consequence: missense variant.
Genome position (GRCh38, 1-based): chr9:98,849,043, G>A. VCF-style: chr9-98849043-G-A. GRCh37 (hg19) VCF-style: chr9-101611325-G-A.
Other names: short protein forms C566Y.
Identifiers: ClinVar variation 1778257 (VCV001778257.2), dbSNP rs2118523586, ClinGen allele CA374223212.

ClinVar aggregate classification (germline): Uncertain significance (1 of 4 stars; one submission).

Allele frequency attached by ClinVar (database versions not stated): gnomAD exomes below 0.00001.
gnomAD v4.1: 1 of 1,614,196 alleles (0.000062%); highest among the groups gnomAD compares: South Asian, 0.0011%; no homozygotes.

Submission:

Ambry Genetics
Classification: Uncertain significance. Last evaluated: 2022-10-29. Review status: criteria provided, single submitter. Criteria: Ambry Variant Classification Scheme 2023. Collection method: clinical testing. Allele origin: germline.
Comment: The p.C566Y variant (also known as c.1697G>A), located in coding exon 10 of the GALNT12 gene, results from a G to A substitution at nucleotide position 1697. The cysteine at codon 566 is replaced by tyrosine, an amino acid with highly dissimilar properties. This amino acid position is conserved. In addition, this alteration is predicted to be deleterious by in silico analysis. Since supporting evidence is limited at this time, the clinical significance of this alteration remains unclear.